The following is an entry in ClinVar:

ClinVar aggregate classification (germline): Likely benign (0 of 4 stars; one submission).

Conditions:
SH2B1-related disorder. Also called: SH2B1-related condition.

Submission:

PreventionGenetics, part of Exact Sciences
Classification: Likely benign for SH2B1-related condition. Last evaluated: 2021-08-31. Review status: no assertion criteria provided. Collection method: clinical testing. Allele origin: germline.
Comment: This variant is classified as likely benign based on ACMG/AMP sequence variant interpretation guidelines (Richards et al. 2015 PMID: 25741868, with internal and published modifications).

NM_001387430.1(SH2B1):c.1513+5C>G

Gene: SH2B1 (SH2B adaptor protein 1; plus strand). Cytogenetic location: 16p11.2.
Variant type: single nucleotide variant.
Coding change: c.1513+5C>G on transcript NM_001387430.1 (MANE Select); 5 bases into the intron after coding-DNA position 1513, C replaced by G.
Molecular consequence: intron variant.
Genome position (GRCh38, 1-based): chr16:28,871,988, C>G. VCF-style: chr16-28871988-C-G. GRCh37 (hg19) VCF-style: chr16-28883309-C-G.
Other names: c.1513+5C>G (NM_001308293.2, NM_001387404.1, NM_015503.3 and 4 more transcripts); c.505+5C>G (NM_001308294.2).
Identifiers: ClinVar variation 3355173 (VCV003355173.1).